The following is an entry in ClinVar:

NM_002476.2(MYL4):c.220A>C (p.Thr74Pro)

Gene: MYL4 (myosin light chain 4; plus strand). Cytogenetic location: 17q21.32.
Variant type: single nucleotide variant.
Coding change: c.220A>C on transcript NM_002476.2 (MANE Select); coding-DNA position 220, A replaced by C.
Protein change: p.Thr74Pro; replaces threonine 74 with proline.
Molecular consequence: missense variant.
Genome position (GRCh38, 1-based): chr17:47,219,960, A>C. VCF-style: chr17-47219960-A-C. GRCh37 (hg19) VCF-style: chr17-45297326-A-C.
Other names: c.220A>C, p.Thr74Pro (NM_001002841.2); short protein forms T74P.
Identifiers: ClinVar variation 3727470 (VCV003727470.2).

ClinVar aggregate classification (germline): Uncertain significance (1 of 4 stars; one submission).

Conditions:
Atrial fibrillation, familial, 18 (ATFB18). Identifiers: MedGen C4310636, MONDO:0015001, OMIM 617280.

Submission:

Labcorp Genetics (formerly Invitae), Labcorp
Classification: Uncertain significance for Atrial fibrillation, familial, 18. Last evaluated: 2024-12-17. Review status: criteria provided, single submitter. Criteria: Invitae Variant Classification Sherloc (09022015). Collection method: clinical testing. Allele origin: germline.
Comment: This sequence change replaces threonine, which is neutral and polar, with proline, which is neutral and non-polar, at codon 74 of the MYL4 protein (p.Thr74Pro). This variant is not present in population databases (gnomAD no frequency). This variant has not been reported in the literature in individuals affected with MYL4-related conditions. An algorithm developed to predict the effect of missense changes on protein structure and function (PolyPhen-2) suggests that this variant is likely to be disruptive. In summary, the available evidence is currently insufficient to determine the role of this variant in disease. Therefore, it has been classified as a Variant of Uncertain Significance.